The following is an entry in ClinVar:

ClinVar aggregate classification (germline): Uncertain significance (1 of 4 stars; one submission).

Conditions:
Granulomatous disease, chronic, X-linked. Also called: CYTOCHROME b-NEGATIVE GRANULOMATOUS DISEASE, CHRONIC, X-LINKED; GRANULOMATOUS DISEASE, CHRONIC, X-LINKED, SOMATIC MOSAIC. Identifiers: Orphanet 379, MedGen C1844376, MONDO:0010600, OMIM 306400.

Submission:

Labcorp Genetics (formerly Invitae), Labcorp
Classification: Uncertain significance for Granulomatous disease, chronic, X-linked. Last evaluated: 2022-05-19. Review status: criteria provided, single submitter. Criteria: Invitae Variant Classification Sherloc (09022015). Collection method: clinical testing. Allele origin: germline.
Comment: This sequence change replaces glycine, which is neutral and non-polar, with arginine, which is basic and polar, at codon 322 of the CYBB protein (p.Gly322Arg). This variant is not present in population databases (gnomAD no frequency). This missense change has been observed in individual(s) with chronic granulomatous disease (PMID: 30716179). Advanced modeling of protein sequence and biophysical properties (such as structural, functional, and spatial information, amino acid conservation, physicochemical variation, residue mobility, and thermodynamic stability) performed at Invitae indicates that this missense variant is expected to disrupt CYBB protein function. This variant disrupts the p.Gly322 amino acid residue in CYBB. Other variant(s) that disrupt this residue have been observed in individuals with CYBB-related conditions (PMID: 9585602, 30716179), which suggests that this may be a clinically significant amino acid residue. In summary, the available evidence is currently insufficient to determine the role of this variant in disease. Therefore, it has been classified as a Variant of Uncertain Significance.

Literature cited by the submitters: PubMed 30716179; PubMed 9585602.

NM_000397.4(CYBB):c.964G>A (p.Gly322Arg)

Gene: CYBB (cytochrome b-245 beta chain; plus strand). Cytogenetic location: Xp11.4.
Variant type: single nucleotide variant.
Coding change: c.964G>A on transcript NM_000397.4 (MANE Select); coding-DNA position 964, G replaced by A.
Protein change: p.Gly322Arg; replaces glycine 322 with arginine.
Molecular consequence: missense variant.
Genome position (GRCh38, 1-based): chrX:37,803,943, G>A. VCF-style: chrX-37803943-G-A. GRCh37 (hg19) VCF-style: chrX-37663196-G-A.
Other names: short protein forms G322R.
Identifiers: ClinVar variation 2419197 (VCV002419197.8), dbSNP rs2519208590, ClinGen allele CA412977160.